The following is an entry in ClinVar:

NM_002547.3(OPHN1):c.1420+1G>A

Gene: OPHN1 (oligophrenin 1; minus strand). Cytogenetic location: Xq12.
Variant type: single nucleotide variant.
Coding change: c.1420+1G>A on transcript NM_002547.3 (MANE Select); the canonical splice donor site of the intron after coding-DNA position 1420, G replaced by A.
Molecular consequence: splice donor variant.
Genome position (GRCh38, 1-based): chrX:68,113,180, C>T on the plus strand (G>A on the coding strand, the complement: OPHN1 is on the minus strand). VCF-style: chrX-68113180-C-T. GRCh37 (hg19) VCF-style: chrX-67333022-C-T.
Identifiers: ClinVar variation 3649220 (VCV003649220.2).

ClinVar aggregate classification (germline): Likely pathogenic (1 of 4 stars; one submission).

Submission:

Labcorp Genetics (formerly Invitae), Labcorp
Classification: Likely pathogenic. Last evaluated: 2024-09-18. Review status: criteria provided, single submitter. Criteria: Invitae Variant Classification Sherloc (09022015). Collection method: clinical testing. Allele origin: germline.
Comment: This sequence change affects a donor splice site in intron 17 of the OPHN1 gene. It is expected to disrupt RNA splicing. Variants that disrupt the donor or acceptor splice site typically lead to a loss of protein function (PMID: 16199547), and loss-of-function variants in OPHN1 are known to be pathogenic (PMID: 12807966). This variant is not present in population databases (gnomAD no frequency). This variant has not been reported in the literature in individuals affected with OPHN1-related conditions. Algorithms developed to predict the effect of sequence changes on RNA splicing suggest that this variant may disrupt the consensus splice site. In summary, the currently available evidence indicates that the variant is pathogenic, but additional data are needed to prove that conclusively. Therefore, this variant has been classified as Likely Pathogenic.

Literature cited by the submitters: PubMed 16199547; PubMed 12807966.